The following is an entry in ClinVar:

NM_000550.3(TYRP1):c.1298G>A (p.Gly433Glu)

Genes: LURAP1L-AS1 (LURAP1L antisense RNA 1; minus strand), TYRP1 (tyrosinase related protein 1; plus strand). Cytogenetic location: 9p23.
Variant type: single nucleotide variant.
Coding change: c.1298G>A on transcript NM_000550.3 (MANE Select); coding-DNA position 1298, G replaced by A.
Protein change: p.Gly433Glu; replaces glycine 433 with glutamic acid.
Molecular consequence: missense variant.
Genome position (GRCh38, 1-based): chr9:12,708,033, G>A. VCF-style: chr9-12708033-G-A. GRCh37 (hg19) VCF-style: chr9-12708033-G-A.
Other names: short protein forms G433E.
Identifiers: ClinVar variation 2084499 (VCV002084499.7), dbSNP rs1172083752, ClinGen allele CA372943820.

ClinVar aggregate classification (germline): Conflicting classifications of pathogenicity. Review status: criteria provided, conflicting classifications (1 of 4 stars). 2 submissions from 2 submitters: Likely pathogenic (1); Uncertain significance (1). Last evaluated 2025-08-01.

Allele frequency attached by ClinVar (database versions not stated): gnomAD 0.00001; TOPMed 0.00001; gnomAD exomes below 0.00001.
gnomAD v4.1: 2 of 1,612,300 alleles (0.00012%); highest among the groups gnomAD compares: Non-Finnish European, 0.00017%; no homozygotes.

Submissions (2):

Women's Health and Genetics/Laboratory Corporation of America, LabCorp
Classification: Uncertain significance. Last evaluated: 2025-08-01. Review status: criteria provided, single submitter. Criteria: LabCorp Variant Classification Summary - May 2015. Collection method: clinical testing. Allele origin: germline.
Comment: Variant summary: TYRP1 c.1298G>A (p.Gly433Glu) results in a non-conservative amino acid change located in the Di-copper center containing domain from catechol oxidase domain (IPR008922) of the encoded protein sequence. Algorithms developed to predict the effect of missense changes on protein structure and function all suggest that this variant is likely to be disruptive. The variant was absent in 250330 control chromosomes. The available data on variant occurrences in the general population are insufficient to allow any conclusion about variant significance. To our knowledge, no experimental evidence demonstrating an impact on protein function has been reported. ClinVar contains an entry for this variant (Variation ID: 2084499). Based on the evidence outlined above, the variant was classified as uncertain significance.

Labcorp Genetics (formerly Invitae), Labcorp
Classification: Likely pathogenic. Last evaluated: 2024-05-14. Review status: criteria provided, single submitter. Criteria: Invitae Variant Classification Sherloc (09022015). Collection method: clinical testing. Allele origin: germline.
Comment: This sequence change replaces glycine, which is neutral and non-polar, with glutamic acid, which is acidic and polar, at codon 433 of the TYRP1 protein (p.Gly433Glu). This variant is not present in population databases (gnomAD no frequency). This missense change has been observed in individual(s) with oculocutaneous albinism (Invitae). In at least one individual the data is consistent with being in trans (on the opposite chromosome) from a pathogenic variant. ClinVar contains an entry for this variant (Variation ID: 2084499). Advanced modeling of protein sequence and biophysical properties (such as structural, functional, and spatial information, amino acid conservation, physicochemical variation, residue mobility, and thermodynamic stability) performed at Invitae indicates that this missense variant is expected to disrupt TYRP1 protein function with a positive predictive value of 80%. In summary, the currently available evidence indicates that the variant is pathogenic, but additional data are needed to prove that conclusively. Therefore, this variant has been classified as Likely Pathogenic.